The following is an entry in ClinVar:

ClinVar aggregate classification (germline): Uncertain significance (1 of 4 stars; one submission).

gnomAD v4.1: 1 of 1,613,964 alleles (0.000062%); highest among the groups gnomAD compares: Admixed American, 0.0017%; no homozygotes.

Submission:

Labcorp Genetics (formerly Invitae), Labcorp
Classification: Uncertain significance. Last evaluated: 2025-03-10. Review status: criteria provided, single submitter. Criteria: Invitae Variant Classification Sherloc (09022015). Collection method: clinical testing. Allele origin: germline.
Comment: This sequence change replaces proline, which is neutral and non-polar, with threonine, which is neutral and polar, at codon 155 of the SLC1A2 protein (p.Pro155Thr). This variant is not present in population databases (gnomAD no frequency). This variant has not been reported in the literature in individuals affected with SLC1A2-related conditions. ClinVar contains an entry for this variant (Variation ID: 1406368). Invitae Evidence Modeling of protein sequence and biophysical properties (such as structural, functional, and spatial information, amino acid conservation, physicochemical variation, residue mobility, and thermodynamic stability) indicates that this missense variant is not expected to disrupt SLC1A2 protein function with a negative predictive value of 80%. In summary, the available evidence is currently insufficient to determine the role of this variant in disease. Therefore, it has been classified as a Variant of Uncertain Significance.

NM_004171.4(SLC1A2):c.463C>A (p.Pro155Thr)

Gene: SLC1A2 (solute carrier family 1 member 2; minus strand). Cytogenetic location: 11p13.
Variant type: single nucleotide variant.
Coding change: c.463C>A on transcript NM_004171.4 (MANE Select); coding-DNA position 463, C replaced by A.
Protein change: p.Pro155Thr; replaces proline 155 with threonine.
Molecular consequence: missense variant.
Genome position (GRCh38, 1-based): chr11:35,312,296, G>T on the plus strand (C>A on the coding strand, the complement: SLC1A2 is on the minus strand). VCF-style: chr11-35312296-G-T. GRCh37 (hg19) VCF-style: chr11-35333843-G-T.
Other names: c.436C>A, p.Pro146Thr (NM_001195728.3, NM_001252652.2); short protein forms P146T, P155T.
Identifiers: ClinVar variation 1406368 (VCV001406368.6), dbSNP rs756797732, ClinGen allele CA380129266.